The following is an entry in ClinVar:

ClinVar aggregate classification (germline): Uncertain significance (1 of 4 stars; one submission).

Allele frequency attached by ClinVar (database versions not stated): gnomAD exomes below 0.00001.
gnomAD v4.1: 1 of 1,613,816 alleles (0.000062%); highest among the groups gnomAD compares: Non-Finnish European, 0.000085%; no homozygotes.

Submission:

Greenwood Genetic Center Diagnostic Laboratories, Greenwood Genetic Center
Classification: Uncertain significance. Last evaluated: 2023-03-02. Review status: criteria provided, single submitter. Criteria: ACMG Guidelines, 2015. Collection method: clinical testing. Allele origin: germline. Affected: yes.
Comment: PM2, PM6, PP2

NM_001829.4(CLCN3):c.1486G>A (p.Val496Ile)

Gene: CLCN3 (chloride voltage-gated channel 3; plus strand). Cytogenetic location: 4q33.
Variant type: single nucleotide variant.
Coding change: c.1486G>A on transcript NM_001829.4 (MANE Select); coding-DNA position 1486, G replaced by A.
Protein change: p.Val496Ile; replaces valine 496 with isoleucine.
Molecular consequence: missense variant.
Genome position (GRCh38, 1-based): chr4:169,697,657, G>A. VCF-style: chr4-169697657-G-A. GRCh37 (hg19) VCF-style: chr4-170618808-G-A.
Other names: c.1405G>A, p.Val469Ile (NM_001243372.2, NM_001243374.2); c.1486G>A, p.Val496Ile (NM_173872.4); short protein forms V469I, V496I.
Identifiers: ClinVar variation 2505192 (VCV002505192.1), dbSNP rs2477059499, ClinGen allele CA358740077.
Genomic context (GRCh38, chr4:169,697,657, plus strand): 5'-AATGACATGAATGCCAGTAAAATTGTCGATGACATTCCTGATCGTCCAGCAGGCATTGGA[G>A]TATATTCAGCTATATGGCAGTTATGCCTGGCACTCATATTTAAAATCATAATGACAGTAT-3'
Protein context (NP_001820.2, residues 486-506): DIPDRPAGIG[Val496Ile]YSAIWQLCLA